The following is an entry in ClinVar:

ClinVar aggregate classification (germline): Uncertain significance (1 of 4 stars; one submission).

Allele frequency attached by ClinVar (database versions not stated): gnomAD exomes below 0.00001.
gnomAD v4.1: 1 of 1,614,098 alleles (0.000062%); highest among the groups gnomAD compares: Admixed American, 0.0017%; no homozygotes.

Submission:

Labcorp Genetics (formerly Invitae), Labcorp
Classification: Uncertain significance. Last evaluated: 2024-12-02. Review status: criteria provided, single submitter. Criteria: Invitae Variant Classification Sherloc (09022015). Collection method: clinical testing. Allele origin: germline.
Comment: This sequence change replaces alanine, which is neutral and non-polar, with threonine, which is neutral and polar, at codon 189 of the ATF6 protein (p.Ala189Thr). This variant is present in population databases (no rsID available, gnomAD 0.003%). This variant has not been reported in the literature in individuals affected with ATF6-related conditions. ClinVar contains an entry for this variant (Variation ID: 1468272). Invitae Evidence Modeling of protein sequence and biophysical properties (such as structural, functional, and spatial information, amino acid conservation, physicochemical variation, residue mobility, and thermodynamic stability) indicates that this missense variant is not expected to disrupt ATF6 protein function with a negative predictive value of 80%. In summary, the available evidence is currently insufficient to determine the role of this variant in disease. Therefore, it has been classified as a Variant of Uncertain Significance.

NM_007348.4(ATF6):c.565G>A (p.Ala189Thr)

Gene: ATF6 (activating transcription factor 6; plus strand). Cytogenetic location: 1q23.3.
Variant type: single nucleotide variant.
Coding change: c.565G>A on transcript NM_007348.4 (MANE Select); coding-DNA position 565, G replaced by A.
Protein change: p.Ala189Thr; replaces alanine 189 with threonine.
Molecular consequence: missense variant.
Genome position (GRCh38, 1-based): chr1:161,792,204, G>A. VCF-style: chr1-161792204-G-A. GRCh37 (hg19) VCF-style: chr1-161761994-G-A.
Other names: short protein forms A189T.
Identifiers: ClinVar variation 1468272 (VCV001468272.6), dbSNP rs1342628549, ClinGen allele CA343386495.